The following is an entry in ClinVar:

NM_205861.3(DHDDS):c.*128C>G

Gene: DHDDS (dehydrodolichyl diphosphate synthase subunit; plus strand). Cytogenetic location: 1p36.11.
Variant type: single nucleotide variant.
Coding change: c.*128C>G on transcript NM_205861.3 (MANE Select); 128 bases downstream of the stop codon, C replaced by G.
Molecular consequence: 3 prime UTR variant.
Genome position (GRCh38, 1-based): chr1:26,469,259, C>G. VCF-style: chr1-26469259-C-G. GRCh37 (hg19) VCF-style: chr1-26795750-C-G.
Other names: c.*128C>G (NM_001243564.2, NM_001243565.2, NM_001319959.2 and 1 more transcripts).
Identifiers: ClinVar variation 297081 (VCV000297081.34), dbSNP rs146706631, ClinGen allele CA10610029.

ClinVar aggregate classification (germline): Conflicting classifications of pathogenicity. Review status: criteria provided, conflicting classifications (1 of 4 stars). 3 submissions from 3 submitters: Uncertain significance (2); Likely benign (1). Last evaluated 2023-03-01.

Conditions:
Retinitis pigmentosa (RP). Identifiers: Orphanet 791, MedGen C0035334, MeSH D012174, MONDO:0019200, OMIM 268000. Inheritance: Autosomal dominant, autosomal recessive and X linked inheritance.

Allele frequency attached by ClinVar (database versions not stated): 1000 Genomes Project 0.00140; 1000 Genomes Project 30x 0.00141; gnomAD 0.00330 and 0.00352; TOPMed 0.00351; gnomAD exomes 0.00418.
gnomAD v4.1: 6,317 of 1,554,170 alleles (0.41%); highest among the groups gnomAD compares: Non-Finnish European, 0.5%; 20 homozygotes.

Submissions (3):

CeGaT Center for Human Genetics Tuebingen
Classification: Likely benign. Last evaluated: 2023-03-01. Review status: criteria provided, single submitter. Criteria: CeGaT Center For Human Genetics Tuebingen Variant Classification Criteria Version 2. Collection method: clinical testing. Allele origin: germline. Affected: yes. Observed: 3 variant alleles.
Comment: DHDDS: BS2

Illumina Laboratory Services, Illumina
Classification: Uncertain significance for Retinitis pigmentosa. Last evaluated: 2018-01-12. Review status: criteria provided, single submitter. Criteria: ICSL Variant Classification Criteria 13 December 2019. Collection method: clinical testing. Allele origin: germline.

Breakthrough Genomics
Classification: Uncertain significance. Review status: criteria provided, single submitter. Criteria: ACMG Guidelines, 2015. Collection method: not provided. Allele origin: germline. Inheritance: Autosomal recessive inheritance. Affected: yes.